The following is an entry in ClinVar:

ClinVar aggregate classification (germline): Pathogenic/Likely pathogenic. Review status: criteria provided, multiple submitters, no conflicts (2 of 4 stars). 3 submissions from 3 submitters: Pathogenic (1); Likely pathogenic (2). Last evaluated 2024-03-24.

Conditions:
Neuromuscular disease caused by qualitative or quantitative defects of dysferlin. Also called: Qualitative or quantitative defects of dysferlin; Dysferlinopathy. Identifiers: Orphanet 207073, MedGen C2931687, MONDO:0016145.
Miyoshi muscular dystrophy 1 (MMD1). Identifiers: Orphanet 45448, MedGen C4551973, MONDO:0024545, OMIM 254130.

Allele frequency attached by ClinVar (database versions not stated): TOPMed below 0.00001; gnomAD exomes 0.00001.
gnomAD v4.1: 3 of 1,614,160 alleles (0.00019%); highest among the groups gnomAD compares: East Asian, 0.0067%; no homozygotes.

Submissions (3):

Baylor Genetics
Classification: Likely pathogenic for Miyoshi muscular dystrophy 1. Last evaluated: 2024-03-24. Review status: criteria provided, single submitter. Criteria: ACMG Guidelines, 2015. Collection method: clinical testing. Allele origin: unknown.

Labcorp Genetics (formerly Invitae), Labcorp
Classification: Pathogenic for Neuromuscular disease caused by qualitative or quantitative defects of dysferlin. Last evaluated: 2022-07-25. Review status: criteria provided, single submitter. Criteria: Invitae Variant Classification Sherloc (09022015). Collection method: clinical testing. Allele origin: germline.
Comment: For these reasons, this variant has been classified as Pathogenic. Algorithms developed to predict the effect of sequence changes on RNA splicing suggest that this variant may create or strengthen a splice site. ClinVar contains an entry for this variant (Variation ID: 1075046). This variant has not been reported in the literature in individuals affected with DYSF-related conditions. This variant is not present in population databases (gnomAD no frequency). This sequence change creates a premature translational stop signal (p.Tyr8*) in the DYSF gene. It is expected to result in an absent or disrupted protein product. Loss-of-function variants in DYSF are known to be pathogenic (PMID: 17698709, 20301480).

Revvity Omics, Revvity
Classification: Likely pathogenic. Last evaluated: 2021-09-19. Review status: criteria provided, single submitter. Criteria: ACMG Guidelines, 2015. Collection method: clinical testing. Allele origin: germline.

Literature cited by the submitters: PubMed 17698709 (cited by Labcorp Genetics (formerly Invitae), Labcorp); PubMed 20301480 (cited by Labcorp Genetics (formerly Invitae), Labcorp).

NM_003494.4(DYSF):c.24T>G (p.Tyr8Ter)

Gene: DYSF (dysferlin; plus strand). Cytogenetic location: 2p13.2.
Variant type: single nucleotide variant.
Coding change: c.24T>G on transcript NM_003494.4 (MANE Plus Clinical); coding-DNA position 24, T replaced by G.
Protein change: p.Tyr8Ter; replaces tyrosine 8 with a stop codon.
Molecular consequence: nonsense.
Genome position (GRCh38, 1-based): chr2:71,454,022, T>G. VCF-style: chr2-71454022-T-G. GRCh37 (hg19) VCF-style: chr2-71681152-T-G.
Other names: c.24T>G, p.Tyr8Ter (NM_001130976.2, NM_001130977.2, NM_001130978.2 and 3 more transcripts); short protein forms Y8*.
Identifiers: ClinVar variation 1075046 (VCV001075046.13), dbSNP rs2080944539, ClinGen allele CA347205987.